The following is an entry in ClinVar:

NM_199355.4(ADAMTS18):c.664C>T (p.Arg222Trp)

Gene: ADAMTS18 (ADAM metallopeptidase with thrombospondin type 1 motif 18; minus strand). Cytogenetic location: 16q23.1.
Variant type: single nucleotide variant.
Coding change: c.664C>T on transcript NM_199355.4 (MANE Select); coding-DNA position 664, C replaced by T.
Protein change: p.Arg222Trp; replaces arginine 222 with tryptophan.
Molecular consequence: missense variant. On other transcripts: synonymous variant (1).
Genome position (GRCh38, 1-based): chr16:77,367,555, G>A on the plus strand (C>T on the coding strand, the complement: ADAMTS18 is on the minus strand). VCF-style: chr16-77367555-G-A. GRCh37 (hg19) VCF-style: chr16-77401452-G-A.
Other names: c.144C>T, p.Ala48= (NM_001326358.2); short protein forms R222W.
Identifiers: ClinVar variation 864380 (VCV000864380.5), dbSNP rs150591899, ClinGen allele CA8181604.

ClinVar aggregate classification (germline): Uncertain significance (1 of 4 stars; one submission).

Allele frequency attached by ClinVar (database versions not stated): 1000 Genomes Project 30x 0.00016; TOPMed 0.00016; ESP Exome Variant Server 0.00031.

Submission:

Labcorp Genetics (formerly Invitae), Labcorp
Classification: Uncertain significance. Last evaluated: 2022-07-12. Review status: criteria provided, single submitter. Criteria: Invitae Variant Classification Sherloc (09022015). Collection method: clinical testing. Allele origin: germline.
Comment: This sequence change replaces arginine, which is basic and polar, with tryptophan, which is neutral and slightly polar, at codon 222 of the ADAMTS18 protein (p.Arg222Trp). This variant is present in population databases (rs150591899, gnomAD 0.02%). This variant has not been reported in the literature in individuals affected with ADAMTS18-related conditions. ClinVar contains an entry for this variant (Variation ID: 864380). Algorithms developed to predict the effect of missense changes on protein structure and function output the following: SIFT: "Not Available"; PolyPhen-2: "Benign"; Align-GVGD: "Not Available". The tryptophan amino acid residue is found in multiple mammalian species, which suggests that this missense change does not adversely affect protein function. In summary, the available evidence is currently insufficient to determine the role of this variant in disease. Therefore, it has been classified as a Variant of Uncertain Significance.